The following is an entry in ClinVar:

ClinVar aggregate classification (germline): Uncertain significance (1 of 4 stars; one submission).

gnomAD v4.1: 1 of 1,209,893 alleles (0.000083%); no homozygotes.

Submission:

GeneDx
Classification: Uncertain significance. Last evaluated: 2024-09-19. Review status: criteria provided, single submitter. Criteria: GeneDx Variant Classification Process June 2021. Collection method: clinical testing. Allele origin: germline. Affected: yes.
Comment: Not observed at significant frequency in large population cohorts (gnomAD); In silico analysis supports that this missense variant has a deleterious effect on protein structure/function; Has not been previously published as pathogenic or benign to our knowledge

NM_001830.4(CLCN4):c.539G>A (p.Gly180Asp)

Gene: CLCN4 (chloride voltage-gated channel 4; plus strand). Cytogenetic location: Xp22.2.
Variant type: single nucleotide variant.
Coding change: c.539G>A on transcript NM_001830.4 (MANE Select); coding-DNA position 539, G replaced by A.
Protein change: p.Gly180Asp; replaces glycine 180 with aspartic acid.
Molecular consequence: missense variant.
Genome position (GRCh38, 1-based): chrX:10,198,045, G>A. VCF-style: chrX-10198045-G-A. GRCh37 (hg19) VCF-style: chrX-10166085-G-A.
Other names: c.257G>A, p.Gly86Asp (NM_001256944.2); short protein forms G180D, G86D.
Identifiers: ClinVar variation 3774206 (VCV003774206.1).